The following is an entry in ClinVar:

ClinVar aggregate classification (germline): Uncertain significance (1 of 4 stars; one submission).

gnomAD v4.1: 5 of 1,613,918 alleles (0.00031%); highest among the groups gnomAD compares: Admixed American, 0.0083%; no homozygotes.

Submission:

Labcorp Genetics (formerly Invitae), Labcorp
Classification: Uncertain significance. Last evaluated: 2024-06-30. Review status: criteria provided, single submitter. Criteria: Invitae Variant Classification Sherloc (09022015). Collection method: clinical testing. Allele origin: germline.
Comment: This sequence change replaces glycine, which is neutral and non-polar, with aspartic acid, which is acidic and polar, at codon 119 of the UQCC2 protein (p.Gly119Asp). This variant is not present in population databases (gnomAD no frequency). This variant has not been reported in the literature in individuals affected with UQCC2-related conditions. Algorithms developed to predict the effect of missense changes on protein structure and function output the following: SIFT: "Not Available"; PolyPhen-2: "Benign"; Align-GVGD: "Not Available". The aspartic acid amino acid residue is found in multiple mammalian species, which suggests that this missense change does not adversely affect protein function. In summary, the available evidence is currently insufficient to determine the role of this variant in disease. Therefore, it has been classified as a Variant of Uncertain Significance.

NM_032340.4(UQCC2):c.356G>A (p.Gly119Asp)

Gene: UQCC2 (ubiquinol-cytochrome c reductase complex assembly factor 2; minus strand). Cytogenetic location: 6p21.31.
Variant type: single nucleotide variant.
Coding change: c.356G>A on transcript NM_032340.4 (MANE Select); coding-DNA position 356, G replaced by A.
Protein change: p.Gly119Asp; replaces glycine 119 with aspartic acid.
Molecular consequence: missense variant.
Genome position (GRCh38, 1-based): chr6:33,697,678, C>T on the plus strand (G>A on the coding strand, the complement: UQCC2 is on the minus strand). VCF-style: chr6-33697678-C-T. GRCh37 (hg19) VCF-style: chr6-33665455-C-T.
Other names: short protein forms G119D.
Identifiers: ClinVar variation 3711106 (VCV003711106.2).